The following is an entry in ClinVar:

NM_000016.6(ACADM):c.31-12T>G

Gene: ACADM (acyl-CoA dehydrogenase medium chain; plus strand). Cytogenetic location: 1p31.1.
Variant type: single nucleotide variant.
Coding change: c.31-12T>G on transcript NM_000016.6 (MANE Select); 12 bases into the intron before coding-DNA position 31, T replaced by G.
Molecular consequence: intron variant. On other transcripts: missense variant (1).
Genome position (GRCh38, 1-based): chr1:75,728,389, T>G. VCF-style: chr1-75728389-T-G. GRCh37 (hg19) VCF-style: chr1-76194074-T-G.
Other names: c.31T>G, p.Cys11Gly (NM_001127328.3); c.31-12T>G (NM_001286043.2); c.10+3572T>G (NM_001286042.2); c.-268+3572T>G (NM_001286044.2); short protein forms C11G.
Identifiers: ClinVar variation 2149281 (VCV002149281.1), dbSNP rs767962879, ClinGen allele CA340806623.

ClinVar aggregate classification (germline): Uncertain significance (1 of 4 stars; one submission).

Conditions:
Medium-chain acyl-coenzyme A dehydrogenase deficiency (ACADMD). Also called: CARNITINE DEFICIENCY SECONDARY TO MEDIUM-CHAIN ACYL-CoA DEHYDROGENASE DEFICIENCY; ACADM DEFICIENCY; MCADH DEFICIENCY; MCADD; MCAD Deficiency; Medium chain acyl-CoA dehydrogenase deficiency. Identifiers: Orphanet 42, MedGen C0220710, MONDO:0008721, OMIM 201450.

Allele frequency attached by ClinVar (database versions not stated): gnomAD exomes below 0.00001.
gnomAD v4.1: 3 of 1,603,950 alleles (0.00019%); highest among the groups gnomAD compares: Non-Finnish European, 0.00026%; no homozygotes.

Submission:

Labcorp Genetics (formerly Invitae), Labcorp
Classification: Uncertain significance for Medium-chain acyl-coenzyme A dehydrogenase deficiency. Last evaluated: 2022-06-28. Review status: criteria provided, single submitter. Criteria: Invitae Variant Classification Sherloc (09022015). Collection method: clinical testing. Allele origin: germline.
Comment: This sequence change falls in intron 1 of the ACADM gene. It does not directly change the encoded amino acid sequence of the ACADM protein. This variant is not present in population databases (gnomAD no frequency). This variant has not been reported in the literature in individuals affected with ACADM-related conditions. Algorithms developed to predict the effect of sequence changes on RNA splicing suggest that this variant may disrupt the consensus splice site. In summary, the available evidence is currently insufficient to determine the role of this variant in disease. Therefore, it has been classified as a Variant of Uncertain Significance.